The following is an entry in ClinVar:

NM_014324.6(AMACR):c.998_999insACAA (p.Asn333fs)

Genes: C1QTNF3-AMACR (C1QTNF3-AMACR readthrough (NMD candidate); minus strand), AMACR (alpha-methylacyl-CoA racemase; minus strand). Cytogenetic location: 5p13.2.
Variant type: Insertion.
Coding change: c.998_999insACAA on transcript NM_014324.6 (MANE Select); coding-DNA positions 998 to 999, ACAA inserted.
Protein change: p.Asn333fs; shifts the reading frame from asparagine 333.
Molecular consequence: frameshift variant. On other transcripts: non-coding transcript variant (1), 3 prime UTR variant (1).
Genome position: GRCh38 VCF-style: chr5-33989243-G-GTTGT. GRCh37 (hg19) VCF-style: chr5-33989348-G-GTTGT.
Other names: c.998_999insACAA, p.Asn333fs (NM_001167595.2); c.*240_*241insACAA (NM_203382.3); short protein forms N333fs.
Identifiers: ClinVar variation 2058115 (VCV002058115.4), dbSNP rs2478951735, ClinGen allele CA2580073189.

ClinVar aggregate classification (germline): Uncertain significance (1 of 4 stars; one submission).

Conditions:
Alpha-methylacyl-CoA racemase deficiency (AMACRD). Also called: AMACR deficiency. Identifiers: Orphanet 79095, MedGen C3280428, MONDO:0013681, OMIM 614307. Disease mechanism: loss of function.

Submission:

Labcorp Genetics (formerly Invitae), Labcorp
Classification: Uncertain significance for Alpha-methylacyl-CoA racemase deficiency. Last evaluated: 2022-06-29. Review status: criteria provided, single submitter. Criteria: Invitae Variant Classification Sherloc (09022015). Collection method: clinical testing. Allele origin: germline.
Comment: This sequence change creates a premature translational stop signal (p.Asn333Lysfs*20) in the AMACR gene. While this is not anticipated to result in nonsense mediated decay, it is expected to disrupt the last 50 amino acid(s) of the AMACR protein. This variant is not present in population databases (gnomAD no frequency). This variant has not been reported in the literature in individuals affected with AMACR-related conditions. Experimental studies and prediction algorithms are not available or were not evaluated, and the functional significance of this variant is currently unknown. In summary, the available evidence is currently insufficient to determine the role of this variant in disease. Therefore, it has been classified as a Variant of Uncertain Significance.